The following is an entry in ClinVar:

ClinVar aggregate classification (germline): Uncertain significance (1 of 4 stars; one submission).

gnomAD v4.1: 1 of 1,614,006 alleles (0.000062%); highest among the groups gnomAD compares: African/African-American, 0.0013%; no homozygotes.

Submission:

GeneDx
Classification: Uncertain significance. Last evaluated: 2024-05-17. Review status: criteria provided, single submitter. Criteria: GeneDx Variant Classification Process June 2021. Collection method: clinical testing. Allele origin: germline. Affected: yes.
Comment: Not observed at significant frequency in large population cohorts (gnomAD); In silico analysis supports that this missense variant has a deleterious effect on protein structure/function; Has not been previously published as pathogenic or benign to our knowledge

NM_003672.4(CDC14A):c.707G>T (p.Arg236Leu)

Gene: CDC14A (cell division cycle 14A; plus strand). Cytogenetic location: 1p21.2.
Variant type: single nucleotide variant.
Coding change: c.707G>T on transcript NM_003672.4 (MANE Select); coding-DNA position 707, G replaced by T.
Protein change: p.Arg236Leu; replaces arginine 236 with leucine.
Molecular consequence: missense variant. On other transcripts: 5 prime UTR variant (1).
Genome position (GRCh38, 1-based): chr1:100,462,750, G>T. VCF-style: chr1-100462750-G-T. GRCh37 (hg19) VCF-style: chr1-100928306-G-T.
Other names: c.707G>T, p.Arg236Leu (NM_001319210.2, NM_033312.3, NM_033313.3); c.533G>T, p.Arg178Leu (NM_001319211.2); c.-173G>T (NM_001319212.2); short protein forms R178L, R236L.
Identifiers: ClinVar variation 3377843 (VCV003377843.1).